The following is an entry in ClinVar:

ClinVar aggregate classification (germline): Uncertain significance. Review status: criteria provided, multiple submitters, no conflicts (2 of 4 stars). 4 submissions from 4 submitters: Uncertain significance (4). Last evaluated 2026-04-20.

Conditions:
Majeed syndrome (MJDS). Also called: LPIN2-Related Majeed Syndrome; CHRONIC RECURRENT MULTIFOCAL OSTEOMYELITIS 1, WITH CONGENITAL DYSERYTHROPOIETIC ANEMIA, WITH OR WITHOUT NEUTROPHILIC DERMATOSIS. Identifiers: Orphanet 77297, MedGen C1864997, MONDO:0012316, OMIM 609628.

Allele frequency attached by ClinVar (database versions not stated): ExAC 0.00003; gnomAD exomes 0.00003; gnomAD 0.00006 and 0.00007; ESP Exome Variant Server 0.00008; TOPMed 0.00013.
gnomAD v4.1: 153 of 1,612,770 alleles (0.0095%); highest among the groups gnomAD compares: Non-Finnish European, 0.012%; no homozygotes.

Submissions (4):

Women's Health and Genetics/Laboratory Corporation of America, LabCorp
Classification: Uncertain significance. Last evaluated: 2026-04-20. Review status: criteria provided, single submitter. Criteria: LabCorp Variant Classification Summary - May 2015. Collection method: clinical testing. Allele origin: germline.

Labcorp Genetics (formerly Invitae), Labcorp
Classification: Uncertain significance for Majeed syndrome. Last evaluated: 2021-10-11. Review status: criteria provided, single submitter. Criteria: Invitae Variant Classification Sherloc (09022015). Collection method: clinical testing. Allele origin: germline.
Comment: This sequence change replaces valine with methionine at codon 447 of the LPIN2 protein (p.Val447Met). The valine residue is moderately conserved and there is a small physicochemical difference between valine and methionine. This variant is present in population databases (rs373758040, ExAC 0.01%). This variant has not been reported in the literature in individuals affected with LPIN2-related conditions. Algorithms developed to predict the effect of missense changes on protein structure and function are either unavailable or do not agree on the potential impact of this missense change (SIFT: "Tolerated"; PolyPhen-2: "Probably Damaging"; Align-GVGD: "Class C0"). In summary, the available evidence is currently insufficient to determine the role of this variant in disease. Therefore, it has been classified as a Variant of Uncertain Significance.

GeneDx
Classification: Uncertain significance. Last evaluated: 2018-03-28. Review status: criteria provided, single submitter. Criteria: GeneDx Variant Classification Process June 2021. Collection method: clinical testing. Allele origin: germline. Affected: yes.
Comment: In silico analysis, which includes protein predictors and evolutionary conservation, supports that this variant does not alter protein structure/function; Has not been previously published as pathogenic or benign to our knowledge

ARUP Laboratories, Molecular Genetics and Genomics, ARUP Laboratories
Classification: Uncertain significance. Last evaluated: 2016-12-02. Review status: criteria provided, single submitter. Criteria: ARUP Molecular Germline Variant Investigation Process. Collection method: clinical testing. Allele origin: germline.

NM_001375808.2(LPIN2):c.1339G>A (p.Val447Met)

Gene: LPIN2 (lipin 2; minus strand). Cytogenetic location: 18p11.31.
Variant type: single nucleotide variant.
Coding change: c.1339G>A on transcript NM_001375808.2 (MANE Select); coding-DNA position 1339, G replaced by A.
Protein change: p.Val447Met; replaces valine 447 with methionine.
Molecular consequence: missense variant.
Genome position (GRCh38, 1-based): chr18:2,931,373, C>T on the plus strand (G>A on the coding strand, the complement: LPIN2 is on the minus strand). VCF-style: chr18-2931373-C-T. GRCh37 (hg19) VCF-style: chr18-2931371-C-T.
Other names: c.1339G>A, p.Val447Met (NM_001375809.1, NM_014646.2); short protein forms V447M.
Identifiers: ClinVar variation 439864 (VCV000439864.17), dbSNP rs373758040, ClinGen allele CA8873128.
Genomic context (GRCh38, chr18:2,931,373, plus strand): 5'-GCAAGTCCATGGCAGAATCTGAGAGGCACTCGGTGCCGCTATCTGCAGCTGCGCTTCCCA[C>T]GGACTGTGGGGACTGGGAGCCAGAGAGTGTGTCAGACTCGGGCCACTGCCTGGAACCGGG-3'
Protein context (NP_001362737.1, residues 437-457): TLSGSQSPQS[Val447Met]GSAAADSGTE